The following is an entry in ClinVar:

NM_182641.4(BPTF):c.6410C>A (p.Pro2137His)

Gene: BPTF (bromodomain PHD finger transcription factor; plus strand). Cytogenetic location: 17q24.2.
Variant type: single nucleotide variant.
Coding change: c.6410C>A on transcript NM_182641.4 (MANE Select); coding-DNA position 6410, C replaced by A.
Protein change: p.Pro2137His; replaces proline 2137 with histidine.
Molecular consequence: missense variant.
Genome position (GRCh38, 1-based): chr17:67,940,589, C>A. VCF-style: chr17-67940589-C-A. GRCh37 (hg19) VCF-style: chr17-65936705-C-A.
Other names: c.6788C>A, p.Pro2263His (NM_004459.7); short protein forms P2137H, P2263H.
Identifiers: ClinVar variation 2794649 (VCV002794649.3), dbSNP rs2147820491, ClinGen allele CA400721348.

ClinVar aggregate classification (germline): Uncertain significance (1 of 4 stars; one submission).

Allele frequency attached by ClinVar (database versions not stated): gnomAD exomes below 0.00001.
gnomAD v4.1: 3 of 1,614,122 alleles (0.00019%); highest among the groups gnomAD compares: Non-Finnish European, 0.00017%; no homozygotes.

Submission:

Labcorp Genetics (formerly Invitae), Labcorp
Classification: Uncertain significance. Last evaluated: 2024-06-03. Review status: criteria provided, single submitter. Criteria: Invitae Variant Classification Sherloc (09022015). Collection method: clinical testing. Allele origin: germline.
Comment: This sequence change replaces proline, which is neutral and non-polar, with histidine, which is basic and polar, at codon 2263 of the BPTF protein (p.Pro2263His). This variant is not present in population databases (gnomAD no frequency). This variant has not been reported in the literature in individuals affected with BPTF-related conditions. An algorithm developed to predict the effect of missense changes on protein structure and function (PolyPhen-2) suggests that this variant is likely to be disruptive. In summary, the available evidence is currently insufficient to determine the role of this variant in disease. Therefore, it has been classified as a Variant of Uncertain Significance.